The following is an entry in ClinVar:

NM_002230.4(JUP):c.251G>A (p.Arg84Gln)

Gene: JUP (junction plakoglobin; minus strand). Cytogenetic location: 17q21.2.
Variant type: single nucleotide variant.
Coding change: c.251G>A on transcript NM_002230.4 (MANE Select); coding-DNA position 251, G replaced by A.
Protein change: p.Arg84Gln; replaces arginine 84 with glutamine.
Molecular consequence: missense variant.
Genome position (GRCh38, 1-based): chr17:41,769,635, C>T on the plus strand (G>A on the coding strand, the complement: JUP is on the minus strand). VCF-style: chr17-41769635-C-T. GRCh37 (hg19) VCF-style: chr17-39925887-C-T.
Other names: c.251G>A, p.Arg84Gln (NM_001352773.2, NM_001352774.2, NM_001352775.2 and 3 more transcripts); c.251G>A (NM_002230.2); short protein forms R84Q.
Identifiers: ClinVar variation 487584 (VCV000487584.13), dbSNP rs782061304, ClinGen allele CA8565539.
Genomic context (GRCh38, chr17:41,769,635, plus strand): 5'-GTGGCCAGCAGAAGCGAGCTGTCCTCGCCTGACACACCAGGGCACATGGCCTCCCGCACC[C>T]GTTTGGCCCTGGCTGTTGTGGACATCTGGTACTCCAGATCACCTGGGGGCCATGGGGACA-3'
Protein context (NP_002221.1, residues 74-94): YQMSTTARAK[Arg84Gln]VREAMCPGVS

ClinVar aggregate classification (germline): Conflicting classifications of pathogenicity. Review status: criteria provided, conflicting classifications (1 of 4 stars). 5 submissions from 5 submitters: Uncertain significance (3); Likely benign (1). 1 of the submissions does not count toward it. Last evaluated 2025-12-17.

Conditions:
Cardiovascular phenotype. Identifiers: MedGen CN230736.
Arrhythmogenic right ventricular dysplasia 12. Also called: ARRHYTHMOGENIC RIGHT VENTRICULAR DYSPLASIA, FAMILIAL, 12. Identifiers: MedGen C1969081, MONDO:0012684, OMIM 611528.
Naxos disease (NXD). Also called: CARDIOMYOPATHY, ARRHYTHMOGENIC RIGHT VENTRICULAR, WITH SKIN, HAIR, AND NAIL ABNORMALITIES; KERATOSIS PALMOPLANTARIS WITH ARRHYTHMOGENIC CARDIOMYOPATHY; MAL DE NAXOS; PALMOPLANTAR KERATODERMA WITH ARRHYTHMOGENIC RIGHT VENTRICULAR CARDIOMYOPATHY AND WOOLLY HAIR; WOOLLY HAIR, PALMOPLANTAR KERATODERMA, AND CARDIAC ABNORMALITIES. Identifiers: Orphanet 34217, MedGen C1832600, MONDO:0011017, OMIM 601214.
Wolff-Parkinson-White pattern. Also called: Auriculoventricular accessory pathway syndrome; False bundle branch block syndrome; Anomalous ventricular excitation syndrome; WPW SYNDROME. Identifiers: MedGen C0043202, MONDO:0008685, OMIM 194200, HP:0001716.

Allele frequency attached by ClinVar (database versions not stated): TOPMed below 0.00001; gnomAD 0.00001; gnomAD exomes 0.00002; ExAC 0.00003.
gnomAD v4.1: 37 of 1,606,934 alleles (0.0023%); highest among the groups gnomAD compares: South Asian, 0.012%; no homozygotes.

Submissions (5):

Ambry Genetics
Classification: Likely benign for Cardiovascular phenotype. Last evaluated: 2025-12-17. Review status: criteria provided, single submitter. Criteria: Ambry Variant Classification Scheme 2023. Collection method: clinical testing. Allele origin: germline.

Labcorp Genetics (formerly Invitae), Labcorp
Classification: Uncertain significance for Arrhythmogenic right ventricular dysplasia 12; Naxos disease. Last evaluated: 2025-05-13. Review status: criteria provided, single submitter. Criteria: Invitae Variant Classification Sherloc (09022015). Collection method: clinical testing. Allele origin: germline.
Comment: This sequence change replaces arginine, which is basic and polar, with glutamine, which is neutral and polar, at codon 84 of the JUP protein (p.Arg84Gln). This variant is present in population databases (rs782061304, gnomAD 0.01%). This missense change has been observed in individual(s) with clinical features of arrhythmogenic right ventricular cardiomyopathy (PMID: 27532257). ClinVar contains an entry for this variant (Variation ID: 487584). An algorithm developed to predict the effect of missense changes on protein structure and function (PolyPhen-2) suggests that this variant is likely to be tolerated. In summary, the available evidence is currently insufficient to determine the role of this variant in disease. Therefore, it has been classified as a Variant of Uncertain Significance.

Blueprint Genetics
Classification: Uncertain significance. Last evaluated: 2022-12-14. Review status: criteria provided, single submitter. Criteria: ACMG Guidelines, 2015. Collection method: clinical testing. Allele origin: germline.

GeneDx
Classification: Uncertain significance. Last evaluated: 2020-08-14. Review status: criteria provided, single submitter. Criteria: GeneDx Variant Classification Process June 2021. Collection method: clinical testing. Allele origin: germline. Affected: yes.
Comment: Not observed at a significant frequency in large population cohorts (Lek et al., 2016); In silico analysis supports that this missense variant has a deleterious effect on splicing; This variant is associated with the following publications: (PMID: 31402444, 27532257)

Lupski Lab, Baylor-Hopkins CMG, Baylor College of Medicine
Classification: Uncertain significance for Wolff-Parkinson-White pattern. Last evaluated: 2017-07-14. Review status: no assertion criteria provided. Collection method: research. Allele origin: unknown. Affected: yes. Observed: 1 variant allele. Study: Candidate_variants_in_patients_with_ Wolff-Parkinson-White Syndrome. Not counted in ClinVar's aggregate classification.

Literature cited by the submitters: PubMed 32233023 (cited by Ambry Genetics); PubMed 27532257 (cited by Labcorp Genetics (formerly Invitae), Labcorp).